The following is an entry in ClinVar:

ClinVar aggregate classification (germline): Conflicting classifications of pathogenicity. Review status: criteria provided, conflicting classifications (1 of 4 stars). 2 submissions from 2 submitters: Uncertain significance (1); Likely benign (1). Last evaluated 2025-06-16.

Conditions:
Familial thoracic aortic aneurysm and aortic dissection (TAAD). Also called: Thoracic aortic aneurysms and dissections. Identifiers: Orphanet 91387, MedGen C4707243, MONDO:0019625.

Allele frequency attached by ClinVar (database versions not stated): gnomAD exomes below 0.00001.
gnomAD v4.1: 1 of 1,613,532 alleles (0.000062%); highest among the groups gnomAD compares: East Asian, 0.0022%; no homozygotes.

Submissions (2):

Ambry Genetics
Classification: Uncertain significance for Familial thoracic aortic aneurysm and aortic dissection. Last evaluated: 2025-06-16. Review status: criteria provided, single submitter. Criteria: Ambry Variant Classification Scheme 2023. Collection method: clinical testing. Allele origin: germline.
Comment: The c.2059-5T>C intronic variant results from a T to C substitution 5 nucleotides upstream from coding exon 16 in the MYH11 gene. This nucleotide position is poorly conserved in available vertebrate species. In silico splice site analysis for this alteration is inconclusive. Based on the available evidence, the clinical significance of this variant remains unclear.

All of Us Research Program, National Institutes of Health
Classification: Likely benign for Familial thoracic aortic aneurysm and aortic dissection. Last evaluated: 2023-06-26. Review status: criteria provided, single submitter. Criteria: ACMG Guidelines, 2015. Collection method: clinical testing. Allele origin: germline. Inheritance: Autosomal dominant inheritance. Observed: 1 variant allele, 1 heterozygote.
Comment: This study involves interpretation of variants in research participants for the purpose of population health screening. Participant phenotype was not available at the time of variant classification. Additional details can be found in publication PMID: 35346344, PMCID: PMC8962531

NM_002474.3(MYH11):c.2059-5T>C

Gene: MYH11 (myosin heavy chain 11; minus strand). Cytogenetic location: 16p13.11.
Variant type: single nucleotide variant.
Coding change: c.2059-5T>C on transcript NM_002474.3 (MANE Select); 5 bases into the intron before coding-DNA position 2059, T replaced by C.
Molecular consequence: intron variant.
Genome position (GRCh38, 1-based): chr16:15,748,173, A>G on the plus strand (T>C on the coding strand, the complement: MYH11 is on the minus strand). VCF-style: chr16-15748173-A-G. GRCh37 (hg19) VCF-style: chr16-15842030-A-G.
Other names: c.2059-5T>C (NM_022844.3, NM_002474.2); c.2080-5T>C (NM_001040114.2, NM_001040113.2).
Identifiers: ClinVar variation 3071863 (VCV003071863.2), dbSNP rs2506275381, ClinGen allele CA2631943624.
Genomic context (GRCh38, chr16:15,748,173, plus strand): 5'-AGCACCCCATTGCACCGCAGCTGCTCCAGCACCAGGAACGCATCCAGCTTGCCGGACTGC[A>G]AAGGTCAAAGAGGGCAGTGGATCCCTGGGGCCAGAAACCATGGCGCAGCAAAGCCCCAAA-3'